The following is an entry in ClinVar:

ClinVar aggregate classification (germline): Conflicting classifications of pathogenicity. Review status: criteria provided, conflicting classifications (1 of 4 stars). 4 submissions from 4 submitters: Uncertain significance (1); Benign (1); Likely benign (2). Last evaluated 2025-12-15.

Conditions:
Adenylosuccinate lyase deficiency (ADSLD). Also called: ADSL DEFICIENCY. Identifiers: Orphanet 46, MedGen C0268126, MONDO:0007068, OMIM 103050.

Allele frequency attached by ClinVar (database versions not stated): gnomAD exomes 0.00004 and 0.00009; ExAC 0.00015; TOPMed 0.00034; 1000 Genomes Project 0.00040; gnomAD 0.00044 and 0.00045; ESP Exome Variant Server 0.00046; 1000 Genomes Project 30x 0.00047.

Submissions (4):

Labcorp Genetics (formerly Invitae), Labcorp
Classification: Likely benign for Adenylosuccinate lyase deficiency. Last evaluated: 2025-12-15. Review status: criteria provided, single submitter. Criteria: Invitae Variant Classification Sherloc (09022015). Collection method: clinical testing. Allele origin: germline.

Blueprint Genetics
Classification: Likely benign. Last evaluated: 2024-04-15. Review status: criteria provided, single submitter. Criteria: ACMG Guidelines, 2015. Collection method: clinical testing. Allele origin: germline.

Eurofins Ntd Llc (ga)
Classification: Uncertain significance. Last evaluated: 2018-08-01. Review status: criteria provided, single submitter. Criteria: EGL ClinVar v180209 classification definitions. Collection method: clinical testing. Allele origin: germline. Observed: 2 variant alleles, 2 heterozygotes.

GeneDx
Classification: Benign. Last evaluated: 2014-06-19. Review status: criteria provided, single submitter. Criteria: GeneDx Variant Classification (06012015). Collection method: clinical testing. Allele origin: germline. Affected: yes.
Comment: This variant is considered likely benign or benign based on one or more of the following criteria: it is a conservative change, it occurs at a poorly conserved position in the protein, it is predicted to be benign by multiple in silico algorithms, and/or has population frequency not consistent with disease.

NM_000026.4(ADSL):c.702-7T>C

Gene: ADSL (adenylosuccinate lyase; plus strand). Cytogenetic location: 22q13.1.
Variant type: single nucleotide variant.
Coding change: c.702-7T>C on transcript NM_000026.4 (MANE Select); 7 bases into the intron before coding-DNA position 702, T replaced by C.
Molecular consequence: intron variant.
Genome position (GRCh38, 1-based): chr22:40,360,395, T>C. VCF-style: chr22-40360395-T-C. GRCh37 (hg19) VCF-style: chr22-40756399-T-C.
Other names: c.702-7T>C (NM_001363840.3, NM_001123378.3); c.510-7T>C (NM_001317923.2).
Identifiers: ClinVar variation 166656 (VCV000166656.16), dbSNP rs201509960, ClinGen allele CA233448.
Genomic context (GRCh38, chr22:40,360,395, plus strand): 5'-ACAGTCATGCACCACTGCAATGGCTTTAAAATATTTTAACCTAAGTCTCTCTTGTACTTA[T>C]TCCTAGAGCTTTCATCATCACAGGGCAGACATATACACGAAAAGTGGATATTGAAGTACT-3'